The following is an entry in ClinVar:

NM_020937.4(FANCM):c.3655G>C (p.Asp1219His)

Gene: FANCM (FA complementation group M; plus strand). Cytogenetic location: 14q21.2.
Variant type: single nucleotide variant.
Coding change: c.3655G>C on transcript NM_020937.4 (MANE Select); coding-DNA position 3655, G replaced by C.
Protein change: p.Asp1219His; replaces aspartic acid 1219 with histidine.
Molecular consequence: missense variant.
Genome position (GRCh38, 1-based): chr14:45,176,409, G>C. VCF-style: chr14-45176409-G-C. GRCh37 (hg19) VCF-style: chr14-45645612-G-C.
Other names: c.3577G>C, p.Asp1193His (NM_001308133.2); short protein forms D1193H, D1219H.
Identifiers: ClinVar variation 4022826 (VCV004022826.1).

ClinVar aggregate classification (germline): Uncertain significance (1 of 4 stars; one submission).

Conditions:
Inborn genetic diseases. Identifiers: MedGen C0950123, MeSH D030342.

Submission:

Ambry Genetics
Classification: Uncertain significance for Inborn genetic diseases. Last evaluated: 2025-05-31. Review status: criteria provided, single submitter. Criteria: Ambry Variant Classification Scheme 2023. Collection method: clinical testing. Allele origin: germline.
Comment: The p.D1219H variant (also known as c.3655G>C), located in coding exon 14 of the FANCM gene, results from a G to C substitution at nucleotide position 3655. The aspartic acid at codon 1219 is replaced by histidine, an amino acid with similar properties. This amino acid position is conserved. In addition, this alteration is predicted to be tolerated by in silico analysis. Based on the available evidence, the clinical significance of this variant remains unclear.